The following is an entry in ClinVar:

ClinVar aggregate classification (germline): Uncertain significance (1 of 4 stars; one submission).

Submission:

Labcorp Genetics (formerly Invitae), Labcorp
Classification: Uncertain significance. Last evaluated: 2024-11-11. Review status: criteria provided, single submitter. Criteria: Invitae Variant Classification Sherloc (09022015). Collection method: clinical testing. Allele origin: germline.
Comment: This sequence change replaces glycine, which is neutral and non-polar, with serine, which is neutral and polar, at codon 769 of the COL11A1 protein (p.Gly769Ser). This variant is not present in population databases (gnomAD no frequency). This variant has not been reported in the literature in individuals affected with COL11A1-related conditions. Invitae Evidence Modeling of protein sequence and biophysical properties (such as structural, functional, and spatial information, amino acid conservation, physicochemical variation, residue mobility, and thermodynamic stability) indicates that this missense variant is expected to disrupt COL11A1 protein function with a positive predictive value of 80%. In summary, the available evidence is currently insufficient to determine the role of this variant in disease. Therefore, it has been classified as a Variant of Uncertain Significance.

NM_001854.4(COL11A1):c.2305G>A (p.Gly769Ser)

Gene: COL11A1 (collagen type XI alpha 1 chain; minus strand). Cytogenetic location: 1p21.1.
Variant type: single nucleotide variant.
Coding change: c.2305G>A on transcript NM_001854.4 (MANE Select); coding-DNA position 2305, G replaced by A.
Protein change: p.Gly769Ser; replaces glycine 769 with serine.
Molecular consequence: missense variant. On other transcripts: non-coding transcript variant (1).
Genome position (GRCh38, 1-based): chr1:102,995,899, C>T on the plus strand (G>A on the coding strand, the complement: COL11A1 is on the minus strand). VCF-style: chr1-102995899-C-T. GRCh37 (hg19) VCF-style: chr1-103461455-C-T.
Other names: c.2188G>A, p.Gly730Ser (NM_001190709.2); c.2341G>A, p.Gly781Ser (NM_080629.3); c.1957G>A, p.Gly653Ser (NM_080630.4); short protein forms G653S, G730S, G769S, G781S.
Identifiers: ClinVar variation 3623067 (VCV003623067.2).